The following is an entry in ClinVar:

NM_001008537.3(NEXMIF):c.2006G>T (p.Gly669Val)

Gene: NEXMIF (neurite extension and migration factor; minus strand). Cytogenetic location: Xq13.3.
Variant type: single nucleotide variant.
Coding change: c.2006G>T on transcript NM_001008537.3 (MANE Select); coding-DNA position 2006, G replaced by T.
Protein change: p.Gly669Val; replaces glycine 669 with valine.
Molecular consequence: missense variant.
Genome position (GRCh38, 1-based): chrX:74,742,551, C>A on the plus strand (G>T on the coding strand, the complement: NEXMIF is on the minus strand). VCF-style: chrX-74742551-C-A. GRCh37 (hg19) VCF-style: chrX-73962386-C-A.
Other names: c.2006G>T (NM_001008537.1); short protein forms G669V.
Identifiers: ClinVar variation 834935 (VCV000834935.10), dbSNP rs2080109961, ClinGen allele CA413669186.

ClinVar aggregate classification (germline): Uncertain significance. Review status: criteria provided, multiple submitters, no conflicts (2 of 4 stars). 2 submissions from 2 submitters: Uncertain significance (2). Last evaluated 2026-02-06.

Submissions (2):

GeneDx
Classification: Uncertain significance. Last evaluated: 2026-02-06. Review status: criteria provided, single submitter. Criteria: GeneDx Variant Classification Process June 2021. Collection method: clinical testing. Allele origin: germline.
Comment: Not observed at significant frequency in large population cohorts (gnomAD); In silico analysis suggests that this missense variant does not alter protein structure/function; Has not been previously published as pathogenic or benign to our knowledge

Labcorp Genetics (formerly Invitae), Labcorp
Classification: Uncertain significance. Last evaluated: 2022-09-27. Review status: criteria provided, single submitter. Criteria: Invitae Variant Classification Sherloc (09022015). Collection method: clinical testing. Allele origin: germline.
Comment: This sequence change replaces glycine, which is neutral and non-polar, with valine, which is neutral and non-polar, at codon 669 of the NEXMIF protein (p.Gly669Val). This variant is not present in population databases (gnomAD no frequency). This variant has not been reported in the literature in individuals affected with NEXMIF-related conditions. ClinVar contains an entry for this variant (Variation ID: 834935). Algorithms developed to predict the effect of missense changes on protein structure and function are either unavailable or do not agree on the potential impact of this missense change (SIFT: "Deleterious"; PolyPhen-2: "Benign"; Align-GVGD: "Class C0"). Algorithms developed to predict the effect of sequence changes on RNA splicing suggest that this variant may create or strengthen a splice site. In summary, the available evidence is currently insufficient to determine the role of this variant in disease. Therefore, it has been classified as a Variant of Uncertain Significance.